The following is an entry in ClinVar:

ClinVar aggregate classification (germline): Uncertain significance. Review status: criteria provided, multiple submitters, no conflicts (2 of 4 stars). 2 submissions from 2 submitters: Uncertain significance (2). Last evaluated 2025-10-01.

Allele frequency attached by ClinVar (database versions not stated): gnomAD exomes below 0.00001; gnomAD 0.00001; TOPMed 0.00003.
gnomAD v4.1: 2 of 1,556,132 alleles (0.00013%); highest among the groups gnomAD compares: Admixed American, 0.0019%; no homozygotes.

Submissions (2):

CeGaT Center for Human Genetics Tuebingen
Classification: Uncertain significance. Last evaluated: 2025-10-01. Review status: criteria provided, single submitter. Criteria: CeGaT Center For Human Genetics Tuebingen Variant Classification Criteria Version 2. Collection method: clinical testing. Allele origin: germline. Affected: yes. Observed: 1 variant allele.
Comment: KDM4B: PM2

GeneDx
Classification: Uncertain significance. Last evaluated: 2021-11-11. Review status: criteria provided, single submitter. Criteria: GeneDx Variant Classification Process June 2021. Collection method: clinical testing. Allele origin: germline. Affected: yes.
Comment: In silico analysis supports that this missense variant has a deleterious effect on protein structure/function; Has not been previously published as pathogenic or benign to our knowledge

NM_015015.3(KDM4B):c.1151A>C (p.Lys384Thr)

Gene: KDM4B (lysine demethylase 4B; plus strand). Cytogenetic location: 19p13.3.
Variant type: single nucleotide variant.
Coding change: c.1151A>C on transcript NM_015015.3 (MANE Select); coding-DNA position 1151, A replaced by C.
Protein change: p.Lys384Thr; replaces lysine 384 with threonine.
Molecular consequence: missense variant.
Genome position (GRCh38, 1-based): chr19:5,119,688, A>C. VCF-style: chr19-5119688-A-C. GRCh37 (hg19) VCF-style: chr19-5119699-A-C.
Other names: short protein forms K384T.
Identifiers: ClinVar variation 1684134 (VCV001684134.8), dbSNP rs908607176, ClinGen allele CA304570986.